The following is an entry in ClinVar:

NM_005993.5(TBCD):c.1543C>T (p.Gln515Ter)

Gene: TBCD (tubulin folding cofactor D). Cytogenetic location: 17q25.3.
Variant type: single nucleotide variant.
Coding change: c.1543C>T on transcript NM_005993.5 (MANE Select); coding-DNA position 1543, C replaced by T.
Protein change: p.Gln515Ter; replaces glutamine 515 with a stop codon.
Molecular consequence: nonsense.
Genome position (GRCh38, 1-based): chr17:82,889,677, C>T. VCF-style: chr17-82889677-C-T. GRCh37 (hg19) VCF-style: chr17-80847553-C-T.
Other names: c.1492C>T, p.Gln498Ter (NM_001411101.1); c.1543C>T, p.Gln515Ter (NM_001411102.1); short protein forms Q498*, Q515*.
Identifiers: ClinVar variation 2744108 (VCV002744108.3), dbSNP rs1386128925, ClinGen allele CA401624967.

ClinVar aggregate classification (germline): Pathogenic (1 of 4 stars; one submission).

gnomAD v4.1: 1 of 1,613,802 alleles (0.000062%); highest among the groups gnomAD compares: Non-Finnish European, 0.000085%; no homozygotes.

Submission:

Labcorp Genetics (formerly Invitae), Labcorp
Classification: Pathogenic. Last evaluated: 2023-05-27. Review status: criteria provided, single submitter. Criteria: Invitae Variant Classification Sherloc (09022015). Collection method: clinical testing. Allele origin: germline.
Comment: This sequence change creates a premature translational stop signal (p.Gln515*) in the TBCD gene. It is expected to result in an absent or disrupted protein product. Loss-of-function variants in TBCD are known to be pathogenic (PMID: 27666370, 27666374). This variant is not present in population databases (gnomAD no frequency). For these reasons, this variant has been classified as Pathogenic. Algorithms developed to predict the effect of sequence changes on RNA splicing suggest that this variant may disrupt the consensus splice site. This variant has not been reported in the literature in individuals affected with TBCD-related conditions.

Literature cited by the submitters: PubMed 27666370; PubMed 27666374.